The following is an entry in ClinVar:

NM_001042750.2(STAG2):c.3262A>T (p.Met1088Leu)

Gene: STAG2 (STAG2 cohesin complex component; plus strand). Cytogenetic location: Xq25.
Variant type: single nucleotide variant.
Coding change: c.3262A>T on transcript NM_001042750.2 (MANE Select); coding-DNA position 3262, A replaced by T.
Protein change: p.Met1088Leu; replaces methionine 1088 with leucine.
Molecular consequence: missense variant.
Genome position (GRCh38, 1-based): chrX:124,086,755, A>T. VCF-style: chrX-124086755-A-T. GRCh37 (hg19) VCF-style: chrX-123220605-A-T.
Other names: c.3262A>T, p.Met1088Leu (NM_001042749.2, NM_001042751.2, NM_001282418.2 and 13 more transcripts); short protein forms M1088L.
Identifiers: ClinVar variation 2131822 (VCV002131822.4), dbSNP rs2059117288, ClinGen allele CA414281171.

ClinVar aggregate classification (germline): Uncertain significance (1 of 4 stars; one submission).

Allele frequency attached by ClinVar (database versions not stated): TOPMed below 0.00001.

Submission:

Labcorp Genetics (formerly Invitae), Labcorp
Classification: Uncertain significance. Last evaluated: 2022-04-29. Review status: criteria provided, single submitter. Criteria: Invitae Variant Classification Sherloc (09022015). Collection method: clinical testing. Allele origin: germline.
Comment: In summary, the available evidence is currently insufficient to determine the role of this variant in disease. Therefore, it has been classified as a Variant of Uncertain Significance. Algorithms developed to predict the effect of missense changes on protein structure and function (SIFT, PolyPhen-2, Align-GVGD) all suggest that this variant is likely to be tolerated. This variant is not present in population databases (gnomAD no frequency). This sequence change replaces methionine, which is neutral and non-polar, with leucine, which is neutral and non-polar, at codon 1088 of the STAG2 protein (p.Met1088Leu). This variant has not been reported in the literature in individuals affected with STAG2-related conditions.